The following is an entry in ClinVar:

ClinVar aggregate classification (germline): Uncertain significance. Review status: criteria provided, multiple submitters, no conflicts (2 of 4 stars). 2 submissions from 2 submitters: Uncertain significance (2). Last evaluated 2025-07-02.

Conditions:
Inborn genetic diseases. Identifiers: MedGen C0950123, MeSH D030342.

gnomAD v4.1: 8 of 1,614,184 alleles (0.0005%); highest among the groups gnomAD compares: Non-Finnish European, 0.00059%; no homozygotes.

Submissions (2):

Ambry Genetics
Classification: Uncertain significance for Inborn genetic diseases. Last evaluated: 2025-07-02. Review status: criteria provided, single submitter. Criteria: Ambry Variant Classification Scheme 2023. Collection method: clinical testing. Allele origin: germline.

Labcorp Genetics (formerly Invitae), Labcorp
Classification: Uncertain significance. Last evaluated: 2023-04-20. Review status: criteria provided, single submitter. Criteria: Invitae Variant Classification Sherloc (09022015). Collection method: clinical testing. Allele origin: germline.
Comment: In summary, the available evidence is currently insufficient to determine the role of this variant in disease. Therefore, it has been classified as a Variant of Uncertain Significance. Advanced modeling of protein sequence and biophysical properties (such as structural, functional, and spatial information, amino acid conservation, physicochemical variation, residue mobility, and thermodynamic stability) performed at Invitae indicates that this missense variant is not expected to disrupt TRRAP protein function. This variant has not been reported in the literature in individuals affected with TRRAP-related conditions. This variant is present in population databases (no rsID available, gnomAD 0.0009%). This sequence change replaces valine, which is neutral and non-polar, with leucine, which is neutral and non-polar, at codon 3231 of the TRRAP protein (p.Val3231Leu).

NM_001375524.1(TRRAP):c.9766G>T (p.Val3256Leu)

Gene: TRRAP (transformation/transcription domain associated protein; plus strand). Cytogenetic location: 7q22.1.
Variant type: single nucleotide variant.
Coding change: c.9766G>T on transcript NM_001375524.1 (MANE Select); coding-DNA position 9766, G replaced by T.
Protein change: p.Val3256Leu; replaces valine 3256 with leucine.
Molecular consequence: missense variant.
Genome position (GRCh38, 1-based): chr7:98,992,146, G>T. VCF-style: chr7-98992146-G-T. GRCh37 (hg19) VCF-style: chr7-98589769-G-T.
Other names: c.9778G>T, p.Val3260Leu (NM_001244580.2); c.9691G>T, p.Val3231Leu (NM_003496.4); c.9778G>T (NM_001244580.1); short protein forms V3260L, V3256L, V3231L.
Identifiers: ClinVar variation 2782128 (VCV002782128.4), dbSNP rs762288980, ClinGen allele CA368328393.